The following is an entry in ClinVar:

ClinVar aggregate classification (germline): Uncertain significance (1 of 4 stars; one submission).

Submission:

Labcorp Genetics (formerly Invitae), Labcorp
Classification: Uncertain significance. Last evaluated: 2025-10-14. Review status: criteria provided, single submitter. Criteria: Invitae Variant Classification Sherloc (09022015). Collection method: clinical testing. Allele origin: germline.
Comment: This sequence change replaces glycine, which is neutral and non-polar, with serine, which is neutral and polar, at codon 89 of the C1QA protein (p.Gly89Ser). This variant is not present in population databases (gnomAD no frequency). This variant has not been reported in the literature in individuals affected with C1QA-related conditions. An algorithm developed to predict the effect of missense changes on protein structure and function (PolyPhen-2) suggests that this variant is likely to be disruptive. In summary, the available evidence is currently insufficient to determine the role of this variant in disease. Therefore, it has been classified as a Variant of Uncertain Significance.

NM_015991.4(C1QA):c.265G>A (p.Gly89Ser)

Gene: C1QA (complement C1q A chain; plus strand). Cytogenetic location: 1p36.12.
Variant type: single nucleotide variant.
Coding change: c.265G>A on transcript NM_015991.4 (MANE Select); coding-DNA position 265, G replaced by A.
Protein change: p.Gly89Ser; replaces glycine 89 with serine.
Molecular consequence: missense variant.
Genome position (GRCh38, 1-based): chr1:22,638,934, G>A. VCF-style: chr1-22638934-G-A. GRCh37 (hg19) VCF-style: chr1-22965427-G-A.
Other names: c.265G>A, p.Gly89Ser (NM_001347465.2, NM_001347466.2); short protein forms G89S.
Identifiers: ClinVar variation 4729207 (VCV004729207.1).